The following is an entry in ClinVar:

NM_130839.5(UBE3A):c.1344T>A (p.Asn448Lys)

Genes: SNHG14 (small nucleolar RNA host gene 14; plus strand), UBE3A (ubiquitin protein ligase E3A; minus strand). Cytogenetic location: 15q11.2.
Variant type: single nucleotide variant.
Coding change: c.1344T>A on transcript NM_130839.5 (MANE Select); coding-DNA position 1344, T replaced by A.
Protein change: p.Asn448Lys; replaces asparagine 448 with lysine.
Molecular consequence: missense variant. On other transcripts: non-coding transcript variant (1), intron variant (2).
Genome position (GRCh38, 1-based): chr15:25,370,830, A>T on the plus strand (T>A on the coding strand, the complement: UBE3A is on the minus strand). VCF-style: chr15-25370830-A-T. GRCh37 (hg19) VCF-style: chr15-25615977-A-T.
Other names: c.1284T>A, p.Asn428Lys (NM_001354542.2, NM_001354543.2, NM_001354544.2 and 17 more transcripts); c.1344T>A, p.Asn448Lys (NM_001354545.2, NM_001354505.1, NM_001354538.2); c.1167T>A, p.Asn389Lys (NM_001354546.2); c.1353T>A, p.Asn451Lys (NM_000462.5); c.301+4635T>A (NM_001354551.2); c.361+4635T>A (NM_001354550.2); short protein forms N389K, N428K, N448K, N451K.
Identifiers: ClinVar variation 2005459 (VCV002005459.4), dbSNP rs2552191537, ClinGen allele CA391353819.

ClinVar aggregate classification (germline): Uncertain significance (1 of 4 stars; one submission).

Conditions:
Angelman syndrome (AS). Also called: HAPPY PUPPET SYNDROME. Identifiers: Orphanet 72, MedGen C0162635, MONDO:0007113, OMIM 105830. Disease mechanism: loss of function. Inheritance: AS is caused by disruption of maternally imprinted UBE3A located within the 15q11.2-q13 Angelman syndrome/Prader-Willi syndrome (AS/PWS) region., imprinting disorder.

Submission:

Labcorp Genetics (formerly Invitae), Labcorp
Classification: Uncertain significance for Angelman syndrome. Last evaluated: 2022-06-13. Review status: criteria provided, single submitter. Criteria: Invitae Variant Classification Sherloc (09022015). Collection method: clinical testing. Allele origin: germline.
Comment: This variant is not present in population databases (gnomAD no frequency). This variant has not been reported in the literature in individuals affected with UBE3A-related conditions. Algorithms developed to predict the effect of missense changes on protein structure and function are either unavailable or do not agree on the potential impact of this missense change (SIFT: "Not Available"; PolyPhen-2: "Probably Damaging"; Align-GVGD: "Not Available"). In summary, the available evidence is currently insufficient to determine the role of this variant in disease. Therefore, it has been classified as a Variant of Uncertain Significance. This sequence change replaces asparagine, which is neutral and polar, with lysine, which is basic and polar, at codon 428 of the UBE3A protein (p.Asn428Lys).